The following is an entry in ClinVar:

ClinVar aggregate classification (germline): Likely benign. Review status: criteria provided, multiple submitters, no conflicts (2 of 4 stars). 2 submissions from 2 submitters: Likely benign (2). Last evaluated 2026-03-24.

Submissions (2):

Women's Health and Genetics/Laboratory Corporation of America, LabCorp
Classification: Likely benign. Last evaluated: 2026-03-24. Review status: criteria provided, single submitter. Criteria: LabCorp Variant Classification Summary - May 2015. Collection method: clinical testing. Allele origin: germline.
Comment: Variant summary: MMUT c.1560+15C>T alters a nucleotide located at a position not widely known to affect splicing. Consensus agreement among computation tools predict no significant impact on normal splicing. However, these predictions have yet to be confirmed by functional studies. The variant allele was found at a frequency of 0.0015 in 167088 control chromosomes in the gnomAD database, including 1 homozygotes. This frequency is not significantly higher than estimated for disease-causing variants in MMUT, allowing no conclusion about variant significance. To our knowledge, no occurrence of c.1560+15C>T in individuals affected with MMUT-related conditions and no experimental evidence demonstrating its impact on protein function have been reported. ClinVar contains an entry for this variant (Variation ID: 2818946). Based on the evidence outlined above, the variant was classified as likely benign.

Labcorp Genetics (formerly Invitae), Labcorp
Classification: Likely benign. Last evaluated: 2023-11-17. Review status: criteria provided, single submitter. Criteria: Invitae Variant Classification Sherloc (09022015). Collection method: clinical testing. Allele origin: germline.

NM_000255.4(MMUT):c.1560+15C>T

Gene: MMUT (methylmalonyl-CoA mutase; minus strand). Cytogenetic location: 6p12.3.
Variant type: single nucleotide variant.
Coding change: c.1560+15C>T on transcript NM_000255.4 (MANE Select); 15 bases into the intron after coding-DNA position 1560, C replaced by T.
Molecular consequence: intron variant.
Genome position (GRCh38, 1-based): chr6:49,447,655, G>A on the plus strand (C>T on the coding strand, the complement: MMUT is on the minus strand). VCF-style: chr6-49447655-G-A. GRCh37 (hg19) VCF-style: chr6-49415368-G-A.
Identifiers: ClinVar variation 2818946 (VCV002818946.4), dbSNP rs781470762, ClinGen allele CA3846844.
Genomic context (GRCh38, chr6:49,447,655, plus strand): 5'-ACAGTTTAAAAGCTTAGCCAGAGCCCAGAACACAGAAAATACTTAAAAAAAAAAAAAAAA[G>A]CAAGCTATTAATACCTTCTTAAGTTTTTCAATCTGCCTGTTTCGCACTGAAGTATTATCA-3'